The following is an entry in ClinVar:

ClinVar aggregate classification (germline): Uncertain significance (1 of 4 stars; one submission).

Submission:

Labcorp Genetics (formerly Invitae), Labcorp
Classification: Uncertain significance. Last evaluated: 2019-10-28. Review status: criteria provided, single submitter. Criteria: Invitae Variant Classification Sherloc (09022015). Collection method: clinical testing. Allele origin: germline.
Comment: This variant results in a copy number gain of the genomic region encompassing exons 1-2 of the COL9A1 gene, which includes the initiator codon. The 5' end of this event is unknown as it extends beyond the assayed region for this gene and therefore may encompass additional genes. The 3' boundary is likely confined to intron 2 of the COL9A1 gene. As the precise location of this event is unknown, it may be in tandem or it may be located elsewhere in the genome. This variant has not been reported in the literature in individuals with COL9A1-related conditions. In summary, the available evidence is currently insufficient to determine the role of this variant in disease. Therefore, it has been classified as a Variant of Uncertain Significance.

NC_000006.12:g.(?_70302001)_(70486244_?)dup

Genes: COL9A1 (collagen type IX alpha 1 chain; minus strand), FAM135A (family with sequence similarity 135 member A; plus strand). Cytogenetic location: 6q13.
Variant type: Duplication.
Identifiers: ClinVar variation 832167 (VCV000832167.2).